The following is an entry in ClinVar:

NM_000458.4(HNF1B):c.191C>G (p.Thr64Ser)

Gene: HNF1B (HNF1 homeobox B; minus strand). Cytogenetic location: 17q12.
Variant type: single nucleotide variant.
Coding change: c.191C>G on transcript NM_000458.4 (MANE Select); coding-DNA position 191, C replaced by G.
Protein change: p.Thr64Ser; replaces threonine 64 with serine.
Molecular consequence: missense variant.
Genome position (GRCh38, 1-based): chr17:37,744,694, G>C on the plus strand (C>G on the coding strand, the complement: HNF1B is on the minus strand). VCF-style: chr17-37744694-G-C. GRCh37 (hg19) VCF-style: chr17-36104685-G-C.
Other names: c.191C>G, p.Thr64Ser (NM_001165923.4, NM_001304286.2, NM_001411100.1); c.191C>G (NM_000458.3); short protein forms T64S.
Identifiers: ClinVar variation 2872756 (VCV002872756.6), dbSNP rs750176807, ClinGen allele CA8519134.
Genomic context (GRCh38, chr17:37,744,694, plus strand): 5'-TCGCCGTCCTCGGAGCCCTCGTCGCCGGACAAGCGGCCCTTGGCGTGGCCGTTGGTGAGA[G>C]TATGGAAGACCGGCTTGGTGTCGGGCTCGGCCCCGCTGCCAGGGGACAGGGGCAGCGTCT-3'
Protein context (NP_000449.1, residues 54-74): AEPDTKPVFH[Thr64Ser]LTNGHAKGRL

ClinVar aggregate classification (germline): Uncertain significance. Review status: criteria provided, multiple submitters, no conflicts (2 of 4 stars). 4 submissions from 4 submitters: Uncertain significance (4). Last evaluated 2026-01-24.

Conditions:
HNF1B-related disorder. Also called: HNF1B-related disorders; HNF1B-related condition.
Renal cysts and diabetes syndrome (RCAD). Also called: MATURITY-ONSET DIABETES OF THE YOUNG, TYPE 5; Familial hypoplastic, glomerulocystic kidney. Identifiers: Orphanet 93111, MedGen C0431693, MONDO:0007669, OMIM 137920.
Type 2 diabetes mellitus. Also called: Type II diabetes mellitus. Identifiers: MedGen C0011860, MeSH D003924, MONDO:0005148, OMIM 125853, HP:0005978.
Nonpapillary renal cell carcinoma. Identifiers: Orphanet 422526, MedGen CN074294, MONDO:0007763, OMIM 144700.

Allele frequency attached by ClinVar (database versions not stated): gnomAD 0.00001; ExAC 0.00002; TOPMed 0.00003.
gnomAD v4.1: 2 of 1,613,460 alleles (0.00012%); highest among the groups gnomAD compares: Admixed American, 0.0017%; no homozygotes.

Submissions (4):

Labcorp Genetics (formerly Invitae), Labcorp
Classification: Uncertain significance. Last evaluated: 2026-01-24. Review status: criteria provided, single submitter. Criteria: Invitae Variant Classification Sherloc (09022015). Collection method: clinical testing. Allele origin: germline.
Comment: This sequence change replaces threonine, which is neutral and polar, with serine, which is neutral and polar, at codon 64 of the HNF1B protein (p.Thr64Ser). This variant is present in population databases (rs750176807, gnomAD 0.003%). This variant has not been reported in the literature in individuals affected with HNF1B-related conditions. ClinVar contains an entry for this variant (Variation ID: 2872756). Invitae Evidence Modeling of protein sequence and biophysical properties (such as structural, functional, and spatial information, amino acid conservation, physicochemical variation, residue mobility, and thermodynamic stability) has been performed for this missense variant. However, the output from this modeling did not meet the statistical confidence thresholds required to predict the impact of this variant on HNF1B protein function. In summary, the available evidence is currently insufficient to determine the role of this variant in disease. Therefore, it has been classified as a Variant of Uncertain Significance.

PreventionGenetics, part of Exact Sciences
Classification: Uncertain significance for HNF1B-related condition. Last evaluated: 2025-05-28. Review status: criteria provided, single submitter. Criteria: ACMG Guidelines, 2015. Collection method: clinical testing. Allele origin: germline.
Comment: The HNF1B c.191C>G variant is predicted to result in the amino acid substitution p.Thr64Ser. To our knowledge, this variant has not been reported in the literature. This variant is reported in 0.0029% of alleles in individuals of Latino descent in gnomAD. At this time, the clinical significance of this variant is uncertain due to the absence of conclusive functional and genetic evidence.

Fulgent Genetics
Classification: Uncertain significance for Type 2 diabetes mellitus; Renal cysts and diabetes syndrome; Nonpapillary renal cell carcinoma. Last evaluated: 2024-05-29. Review status: criteria provided, single submitter. Criteria: ACMG Guidelines, 2015. Collection method: clinical testing. Allele origin: germline.

Department of Pathology and Laboratory Medicine, Sinai Health System
Classification: Uncertain significance for Type 2 diabetes mellitus; Renal cysts and diabetes syndrome; Nonpapillary renal cell carcinoma. Last evaluated: 2021-07-30. Review status: criteria provided, single submitter. Criteria: ACMG Guidelines, 2015. Collection method: research. Allele origin: germline.